The following is an entry in ClinVar:

NM_031844.3(HNRNPU):c.2269C>T (p.Pro757Ser)

Gene: HNRNPU (heterogeneous nuclear ribonucleoprotein U; minus strand). Cytogenetic location: 1q44.
Variant type: single nucleotide variant.
Coding change: c.2269C>T on transcript NM_031844.3 (MANE Select); coding-DNA position 2269, C replaced by T.
Protein change: p.Pro757Ser; replaces proline 757 with serine.
Molecular consequence: missense variant.
Genome position (GRCh38, 1-based): chr1:244,855,507, G>A on the plus strand (C>T on the coding strand, the complement: HNRNPU is on the minus strand). VCF-style: chr1-244855507-G-A. GRCh37 (hg19) VCF-style: chr1-245018809-G-A.
Other names: c.2212C>T, p.Pro738Ser (NM_004501.3); short protein forms P738S, P757S.
Identifiers: ClinVar variation 1207551 (VCV001207551.11), dbSNP rs921745963, ClinGen allele CA40499096.

ClinVar aggregate classification (germline): Conflicting classifications of pathogenicity. Review status: criteria provided, conflicting classifications (1 of 4 stars). 2 submissions from 2 submitters: Uncertain significance (1); Likely benign (1). Last evaluated 2024-10-24.

Conditions:
Developmental and epileptic encephalopathy, 54. Also called: HNRNPU-Related Neurodevelopmental Disorder; Epileptic encephalopathy, early infantile, 54. Identifiers: MedGen C4479319, MONDO:0033363, OMIM 617391.

Allele frequency attached by ClinVar (database versions not stated): gnomAD exomes 0.00001; TOPMed 0.00001; gnomAD 0.00003.
gnomAD v4.1: 12 of 1,613,884 alleles (0.00074%); highest among the groups gnomAD compares: African/African-American, 0.0013%; no homozygotes.

Submissions (2):

Labcorp Genetics (formerly Invitae), Labcorp
Classification: Uncertain significance for Developmental and epileptic encephalopathy, 54. Last evaluated: 2024-10-24. Review status: criteria provided, single submitter. Criteria: Invitae Variant Classification Sherloc (09022015). Collection method: clinical testing. Allele origin: germline.
Comment: This sequence change replaces proline, which is neutral and non-polar, with serine, which is neutral and polar, at codon 757 of the HNRNPU protein (p.Pro757Ser). This variant is present in population databases (no rsID available, gnomAD 0.01%). This missense change has been observed in individual(s) with clinical features of HNRNPU-related conditions (internal data). ClinVar contains an entry for this variant (Variation ID: 1207551). Invitae Evidence Modeling of protein sequence and biophysical properties (such as structural, functional, and spatial information, amino acid conservation, physicochemical variation, residue mobility, and thermodynamic stability) indicates that this missense variant is not expected to disrupt HNRNPU protein function with a negative predictive value of 95%. In summary, the available evidence is currently insufficient to determine the role of this variant in disease. Therefore, it has been classified as a Variant of Uncertain Significance.

GeneDx
Classification: Likely benign. Last evaluated: 2021-04-28. Review status: criteria provided, single submitter. Criteria: GeneDx Variant Classification Process June 2021. Collection method: clinical testing. Allele origin: germline. Affected: yes.
Comment: In silico analysis, which includes protein predictors and evolutionary conservation, supports that this variant does not alter protein structure/function; Has not been previously published as pathogenic or benign to our knowledge